The following is an entry in ClinVar:

NM_000170.3(GLDC):c.1508A>C (p.Glu503Ala)

Gene: GLDC (glycine decarboxylase; minus strand). Cytogenetic location: 9p24.1.
Variant type: single nucleotide variant.
Coding change: c.1508A>C on transcript NM_000170.3 (MANE Select); coding-DNA position 1508, A replaced by C.
Protein change: p.Glu503Ala; replaces glutamic acid 503 with alanine.
Molecular consequence: missense variant.
Genome position (GRCh38, 1-based): chr9:6,589,267, T>G on the plus strand (A>C on the coding strand, the complement: GLDC is on the minus strand). VCF-style: chr9-6589267-T-G. GRCh37 (hg19) VCF-style: chr9-6589267-T-G.
Other names: short protein forms E503A.
Identifiers: ClinVar variation 531780 (VCV000531780.18), dbSNP rs201890453, ClinGen allele CA4980669.

ClinVar aggregate classification (germline): Benign/Likely benign. Review status: criteria provided, multiple submitters, no conflicts (2 of 4 stars). 3 submissions from 3 submitters: Benign (2); Likely benign (1). Last evaluated 2026-02-02.

Conditions:
Glycine encephalopathy. Also called: Non-ketotic hyperglycinemia; Nonketotic hyperglycinemia. Identifiers: Orphanet 407, MedGen C0751748, MONDO:0011612, HP:0008288.

Allele frequency attached by ClinVar (database versions not stated): gnomAD 0.00005 and 0.00073; TOPMed 0.00017; gnomAD exomes 0.00309; ExAC 0.00374; 1000 Genomes Project 30x 0.00547; 1000 Genomes Project 0.00579.
gnomAD v4.1: 2,252 of 1,608,918 alleles (0.14%); highest among the groups gnomAD compares: South Asian, 2.3%; 55 homozygotes.

Submissions (3):

Labcorp Genetics (formerly Invitae), Labcorp
Classification: Benign for Glycine encephalopathy. Last evaluated: 2026-02-02. Review status: criteria provided, single submitter. Criteria: Invitae Variant Classification Sherloc (09022015). Collection method: clinical testing. Allele origin: germline.

GeneDx
Classification: Likely benign. Last evaluated: 2021-06-08. Review status: criteria provided, single submitter. Criteria: GeneDx Variant Classification Process June 2021. Collection method: clinical testing. Allele origin: germline. Affected: yes.

Illumina Laboratory Services, Illumina
Classification: Benign for Glycine encephalopathy 1. Last evaluated: 2017-04-27. Review status: criteria provided, single submitter. Criteria: ICSL Variant Classification Criteria 13 December 2019. Collection method: clinical testing. Allele origin: germline.
Comment: This variant was observed as part of a predisposition screen in an ostensibly healthy population. A literature search was performed for the gene, cDNA change, and amino acid change (where applicable). Publications were found based on this search. The evidence from the literature, in combination with allele frequency data from public databases where available, was sufficient to rule this variant out of causing disease. Therefore, this variant is classified as benign.

Literature cited by the submitters: PubMed 23349517 (cited by Illumina Laboratory Services, Illumina); PubMed 22171071 (cited by Illumina Laboratory Services, Illumina).